The following is an entry in ClinVar:

ClinVar aggregate classification (germline): Uncertain significance (1 of 4 stars; one submission).

Submission:

Labcorp Genetics (formerly Invitae), Labcorp
Classification: Uncertain significance. Last evaluated: 2021-11-30. Review status: criteria provided, single submitter. Criteria: Invitae Variant Classification Sherloc (09022015). Collection method: clinical testing. Allele origin: germline.
Comment: In summary, the available evidence is currently insufficient to determine the role of this variant in disease. Therefore, it has been classified as a Variant of Uncertain Significance. Experimental studies and prediction algorithms are not available or were not evaluated, and the functional significance of this variant is currently unknown. This variant has not been reported in the literature in individuals affected with PTPN23-related conditions. This variant is present in population databases (rs752943986, gnomAD 0.003%). This variant, c.4902_4904dup, results in the insertion of 1 amino acid(s) of the PTPN23 protein (p.Asn1634dup), but otherwise preserves the integrity of the reading frame.

NM_015466.4(PTPN23):c.4899CAA[3] (p.Asn1634dup)

Gene: PTPN23 (protein tyrosine phosphatase non-receptor type 23; plus strand). Cytogenetic location: 3p21.31.
Variant type: Microsatellite.
Coding change: c.4899CAA[3] on transcript NM_015466.4 (MANE Select); three copies in a row of the 3-base unit CAA starting at c.4899; the reference has two copies in a row; one copy, 3 bases duplicated.
Protein change: p.Asn1634dup; duplicates asparagine 1634.
Molecular consequence: inframe insertion.
Genome position (GRCh38, 1-based): chr3:47,413,176-47,413,178, CAA duplicated; duplicating any 3 consecutive bases within chr3:47,413,173-47,413,178 gives the same sequence; the position shown is the placement nearest the transcript's 3' end. VCF-style (leftmost placement, unchanged base first): chr3-47413172-T-TCAA. GRCh37 (hg19) VCF-style: chr3-47454662-T-TCAA.
Other names: c.4521CAA[3], p.Asn1508dup (NM_001304482.2).
Identifiers: ClinVar variation 1487943 (VCV001487943.6), dbSNP rs752943986, ClinGen allele CA2366737.